The following is an entry in ClinVar:

NM_000152.5(GAA):c.858+14C>T

Gene: GAA (alpha glucosidase; plus strand). Cytogenetic location: 17q25.3.
Variant type: single nucleotide variant.
Coding change: c.858+14C>T on transcript NM_000152.5 (MANE Select); 14 bases into the intron after coding-DNA position 858, C replaced by T.
Molecular consequence: intron variant.
Genome position (GRCh38, 1-based): chr17:80,107,736, C>T. VCF-style: chr17-80107736-C-T. GRCh37 (hg19) VCF-style: chr17-78081535-C-T.
Other names: c.858+14C>T (LRG_673t1, NM_001079803.3, NM_001079804.3).
Identifiers: ClinVar variation 514002 (VCV000514002.9), dbSNP rs746986703, ClinGen allele CA8815046.

ClinVar aggregate classification (germline): Likely benign. Review status: criteria provided, multiple submitters, no conflicts (2 of 4 stars). 2 submissions from 2 submitters: Likely benign (2). Last evaluated 2025-11-16.

Conditions:
Glycogen storage disease, type II (IOPD). Also called: CARDIOMEGALIA GLYCOGENICA DIFFUSA; ACID ALPHA-GLUCOSIDASE DEFICIENCY, INFANTILE-ONSET; GAA DEFICIENCY, INFANTILE-ONSET; ACID MALTASE DEFICIENCY, INFANTILE-ONSET; Glucosidase acid-1,4-alpha deficiency; Pompe Disease. Identifiers: Orphanet 365, MedGen C0017921, MONDO:0009290, OMIM 232300.

Allele frequency attached by ClinVar (database versions not stated): gnomAD 0.00001; TOPMed 0.00001; gnomAD exomes 0.00002 and 0.00003; ExAC 0.00003.
gnomAD v4.1: 23 of 1,610,556 alleles (0.0014%); highest among the groups gnomAD compares: Admixed American, 0.017%; no homozygotes.

Submissions (2):

Labcorp Genetics (formerly Invitae), Labcorp
Classification: Likely benign for Glycogen storage disease, type II. Last evaluated: 2025-11-16. Review status: criteria provided, single submitter. Criteria: Invitae Variant Classification Sherloc (09022015). Collection method: clinical testing. Allele origin: germline.

GeneDx
Classification: Likely benign. Last evaluated: 2017-12-29. Review status: criteria provided, single submitter. Criteria: GeneDx Variant Classification (06012015). Collection method: clinical testing. Allele origin: germline. Affected: yes.
Comment: This variant is considered likely benign or benign based on one or more of the following criteria: it is a conservative change, it occurs at a poorly conserved position in the protein, it is predicted to be benign by multiple in silico algorithms, and/or has population frequency not consistent with disease.